The following is an entry in ClinVar:

ClinVar aggregate classification (germline): Pathogenic/Likely pathogenic. Review status: criteria provided, multiple submitters, no conflicts (2 of 4 stars). 3 submissions from 3 submitters: Pathogenic (1); Likely pathogenic (2). Last evaluated 2025-04-02.

Submissions (3):

Labcorp Genetics (formerly Invitae), Labcorp
Classification: Pathogenic. Last evaluated: 2025-04-02. Review status: criteria provided, single submitter. Criteria: Invitae Variant Classification Sherloc (09022015). Collection method: clinical testing. Allele origin: germline.
Comment: This sequence change creates a premature translational stop signal (p.Phe367Leufs*7) in the SPTB gene. It is expected to result in an absent or disrupted protein product. Loss-of-function variants in SPTB are known to be pathogenic (PMID: 1391962, 1498324, 8844207, 26830532, 27292444). This variant is not present in population databases (gnomAD no frequency). This variant has not been reported in the literature in individuals affected with SPTB-related conditions. ClinVar contains an entry for this variant (Variation ID: 2690743). For these reasons, this variant has been classified as Pathogenic.

Mayo Clinic Laboratories, Mayo Clinic
Classification: Likely pathogenic. Last evaluated: 2023-11-06. Review status: criteria provided, single submitter. Criteria: ACMG Guidelines, 2015. Collection method: clinical testing. Allele origin: germline. Observed: 140 variant alleles.
Comment: PM2_moderate, PVS1

Revvity Omics, Revvity
Classification: Likely pathogenic. Last evaluated: 2023-06-07. Review status: criteria provided, single submitter. Criteria: ACMG Guidelines, 2015. Collection method: clinical testing. Allele origin: germline.

Literature cited by the submitters: PubMed 1391962 (cited by Labcorp Genetics (formerly Invitae), Labcorp); PubMed 1498324 (cited by Labcorp Genetics (formerly Invitae), Labcorp); PubMed 8844207 (cited by Labcorp Genetics (formerly Invitae), Labcorp); PubMed 26830532 (cited by Labcorp Genetics (formerly Invitae), Labcorp); PubMed 27292444 (cited by Labcorp Genetics (formerly Invitae), Labcorp).

NM_001355436.2(SPTB):c.1101del (p.Phe367fs)

Gene: SPTB (spectrin beta, erythrocytic; minus strand). Cytogenetic location: 14q23.3.
Variant type: Deletion.
Coding change: c.1101del on transcript NM_001355436.2 (MANE Select); coding-DNA position 1101, one base deleted (T; older notation c.1101delT).
Protein change: p.Phe367fs; shifts the reading frame from phenylalanine 367.
Molecular consequence: frameshift variant.
Genome position (GRCh38, 1-based): chr14:64,797,810, A deleted on the plus strand (T on the coding strand, the reverse complement: SPTB is on the minus strand); the first of 5 consecutive A bases (chr14:64,797,810-64,797,814); deleting any one gives the same sequence. VCF-style (leftmost placement, unchanged base first): chr14-64797809-TA-T. GRCh37 (hg19) VCF-style: chr14-65264527-TA-T.
Other names: p.Phe367Leufs*7; c.1101del, p.Phe367fs (NM_001024858.4, NM_001355437.2); short protein forms F367fs.
Identifiers: ClinVar variation 2690743 (VCV002690743.4), dbSNP rs2503188605, ClinGen allele CA2697554045.